The following is an entry in ClinVar:

ClinVar aggregate classification (germline): Uncertain significance. Review status: criteria provided, multiple submitters, no conflicts (2 of 4 stars). 2 submissions from 2 submitters: Uncertain significance (2). Last evaluated 2024-12-09.

Conditions:
Familial hemophagocytic lymphohistiocytosis 4 (FHL4). Also called: STX11-Related Familial Hemophagocytic Lymphohistiocytosis (STX11-fHLH). Identifiers: Orphanet 540, MedGen C1863728, MONDO:0011336, OMIM 603552.

Allele frequency attached by ClinVar (database versions not stated): gnomAD 0.00002 and 0.00004; ExAC 0.00004; gnomAD exomes 0.00004; TOPMed 0.00005; 1000 Genomes Project 30x 0.00016; 1000 Genomes Project 0.00020.
gnomAD v4.1: 52 of 1,612,516 alleles (0.0032%); highest among the groups gnomAD compares: East Asian, 0.031%; no homozygotes.

Submissions (2):

Labcorp Genetics (formerly Invitae), Labcorp
Classification: Uncertain significance for Familial hemophagocytic lymphohistiocytosis 4. Last evaluated: 2024-12-09. Review status: criteria provided, single submitter. Criteria: Invitae Variant Classification Sherloc (09022015). Collection method: clinical testing. Allele origin: germline.
Comment: This sequence change replaces phenylalanine, which is neutral and non-polar, with cysteine, which is neutral and slightly polar, at codon 281 of the STX11 protein (p.Phe281Cys). This variant is present in population databases (rs560006390, gnomAD 0.02%). This missense change has been observed in individual(s) with Hodgkin lymphoma and/or primary hemophagocytic lymphohistiocytosis (PMID: 29113160, 30899265). ClinVar contains an entry for this variant (Variation ID: 938210). Invitae Evidence Modeling of protein sequence and biophysical properties (such as structural, functional, and spatial information, amino acid conservation, physicochemical variation, residue mobility, and thermodynamic stability) indicates that this missense variant is not expected to disrupt STX11 protein function with a negative predictive value of 80%. In summary, the available evidence is currently insufficient to determine the role of this variant in disease. Therefore, it has been classified as a Variant of Uncertain Significance.

Women's Health and Genetics/Laboratory Corporation of America, LabCorp
Classification: Uncertain significance. Last evaluated: 2022-03-08. Review status: criteria provided, single submitter. Criteria: LabCorp Variant Classification Summary - May 2015. Collection method: clinical testing. Allele origin: germline.
Comment: Variant summary: STX11 c.842T>G (p.Phe281Cys) results in a non-conservative amino acid change in the encoded protein sequence. Four of five in-silico tools predict a benign effect of the variant on protein function. The variant allele was found at a frequency of 4e-05 in 247242 control chromosomes (gnomAD). This frequency is not higher than expected for a pathogenic variant in STX11 causing Familial Hemophagocytic Lymphohistiocytosis (4e-05 vs 0.0005), allowing no conclusion about variant significance. c.842T>G has been reported in the literature in heterozygous individuals affected with Hodgkin lymphoma and Familial Hemophagocytic Lymphohistiocytosis (examples: Chen_2017 and Miao_2019). These reports do not provide unequivocal conclusions about association of the variant with Familial Hemophagocytic Lymphohistiocytosis. To our knowledge, no experimental evidence demonstrating an impact on protein function has been reported. One clinical diagnostic laboratory has submitted clinical-significance assessments for this variant to ClinVar after 2014 and classified the variant as uncertain significance. Based on the evidence outlined above, the variant was classified as uncertain significance.

Literature cited by the submitters: PubMed 29113160 (cited by Labcorp Genetics (formerly Invitae), Labcorp and Women's Health and Genetics/Laboratory Corporation of America, LabCorp); PubMed 30899265 (cited by Labcorp Genetics (formerly Invitae), Labcorp and Women's Health and Genetics/Laboratory Corporation of America, LabCorp).

NM_003764.4(STX11):c.842T>G (p.Phe281Cys)

Gene: STX11 (syntaxin 11; plus strand). Cytogenetic location: 6q24.2.
Variant type: single nucleotide variant.
Coding change: c.842T>G on transcript NM_003764.4 (MANE Select); coding-DNA position 842, T replaced by G.
Protein change: p.Phe281Cys; replaces phenylalanine 281 with cysteine.
Molecular consequence: missense variant.
Genome position (GRCh38, 1-based): chr6:144,187,469, T>G. VCF-style: chr6-144187469-T-G. GRCh37 (hg19) VCF-style: chr6-144508606-T-G.
Other names: short protein forms F281C.
Identifiers: ClinVar variation 938210 (VCV000938210.9), dbSNP rs560006390, ClinGen allele CA4031805.